The following is an entry in ClinVar:

ClinVar aggregate classification (germline): Uncertain significance (1 of 4 stars; one submission).

Conditions:
Leprechaunism syndrome. Also called: Donohue syndrome; LEPRECHAUNISM. Identifiers: Orphanet 508, MedGen C0265344, MONDO:0009517, OMIM 246200.
Insulin-resistant diabetes mellitus AND acanthosis nigricans. Also called: DIABETES MELLITUS, INSULIN-RESISTANT, WITH ACANTHOSIS NIGRICANS, TYPE A; type A insulin resistance; Insulin-resistance syndrome type A; INSULIN RECEPTOR, DEFECT IN, WITH INSULIN-RESISTANT DIABETES MELLITUS AND ACANTHOSIS NIGRICANS; IRAN, TYPE A. Identifiers: Orphanet 2297, MedGen C0342278, MONDO:0012520, OMIM 610549.
Hyperinsulinism due to INSR deficiency. Also called: Hyperinsulinism due to glutamodehydrogenase deficiency. Identifiers: Orphanet 263458, MedGen C1864952, MONDO:0012381, OMIM 609968.
Rabson-Mendenhall syndrome. Also called: Pineal hyperplasia AND diabetes mellitus syndrome; MENDENHALL SYNDROME; Pineal Hyperplasia, Insulin-Resistant Diabetes Mellitus, and Somatic Abnormalities. Identifiers: Orphanet 769, MedGen C0271695, MONDO:0009874, OMIM 262190.

Submission:

Juno Genomics, Hangzhou Juno Genomics, Inc
Classification: Uncertain significance for Leprechaunism syndrome; Insulin-resistant diabetes mellitus AND acanthosis nigricans; Hyperinsulinism due to INSR deficiency; Rabson-Mendenhall syndrome. Review status: criteria provided, single submitter. Criteria: ACMG Guidelines, 2015. Collection method: clinical testing. Allele origin: germline.
Comment: Missense variant in a gene that has a low rate of benign missense variation.;Multiple lines of computational evidence support a deleterious effect on the gene or gene product.;Absent from controls (or at extremely low frequency if recessive) in Genome Aggregation Database.

NM_000208.4(INSR):c.3391C>T (p.Pro1131Ser)

Gene: INSR (insulin receptor; minus strand). Cytogenetic location: 19p13.2.
Variant type: single nucleotide variant.
Coding change: c.3391C>T on transcript NM_000208.4 (MANE Select); coding-DNA position 3391, C replaced by T.
Protein change: p.Pro1131Ser; replaces proline 1131 with serine.
Molecular consequence: missense variant.
Genome position (GRCh38, 1-based): chr19:7,122,752, G>A on the plus strand (C>T on the coding strand, the complement: INSR is on the minus strand). VCF-style: chr19-7122752-G-A. GRCh37 (hg19) VCF-style: chr19-7122763-G-A.
Other names: c.3355C>T, p.Pro1119Ser (NM_001079817.3); short protein forms P1119S, P1131S.
Identifiers: ClinVar variation 5006041 (VCV005006041.2).